The following is an entry in ClinVar:

NM_173551.5(ANKS6):c.1220-4A>C

Gene: ANKS6 (ankyrin repeat and sterile alpha motif domain containing 6; minus strand). Cytogenetic location: 9q22.33.
Variant type: single nucleotide variant.
Coding change: c.1220-4A>C on transcript NM_173551.5 (MANE Select); 4 bases into the intron before coding-DNA position 1220, A replaced by C.
Molecular consequence: intron variant.
Genome position (GRCh38, 1-based): chr9:98,780,341, T>G on the plus strand (A>C on the coding strand, the complement: ANKS6 is on the minus strand). VCF-style: chr9-98780341-T-G. GRCh37 (hg19) VCF-style: chr9-101542623-T-G.
Identifiers: ClinVar variation 3346891 (VCV003346891.1).
Genomic context (GRCh38, chr9:98,780,341, plus strand): 5'-CTTTGTCTTTATTCACCTGCATGCAGACAGATGCCAGCAGTCGAACAAGTTCCGTGTCTA[T>G]GGACACAAAAGGCATCATTTTACCTGCAAATATGTCTGTTGGGCCATAAGGAGAAGACTC-3'

ClinVar aggregate classification (germline): Likely benign (0 of 4 stars; one submission).

Conditions:
ANKS6-related disorder. Also called: ANKS6-related condition.

Submission:

PreventionGenetics, part of Exact Sciences
Classification: Likely benign for ANKS6-related condition. Last evaluated: 2024-08-20. Review status: no assertion criteria provided. Collection method: clinical testing. Allele origin: germline.
Comment: This variant is classified as likely benign based on ACMG/AMP sequence variant interpretation guidelines (Richards et al. 2015 PMID: 25741868, with internal and published modifications).